The following is an entry in ClinVar:

NM_000158.4(GBE1):c.555+14del

Gene: GBE1 (1,4-alpha-glucan branching enzyme 1; minus strand). Cytogenetic location: 3p12.2.
Variant type: Deletion.
Coding change: c.555+14del on transcript NM_000158.4 (MANE Select); 14 bases into the intron after coding-DNA position 555, one base deleted (A; older notation c.555+14delA).
Molecular consequence: intron variant.
Genome position (GRCh38, 1-based): chr3:81,649,782, T deleted on the plus strand (A on the coding strand, the reverse complement: GBE1 is on the minus strand); the first of 3 consecutive T bases (chr3:81,649,782-81,649,784); deleting any one gives the same sequence. VCF-style (leftmost placement, unchanged base first): chr3-81649781-AT-A. GRCh37 (hg19) VCF-style: chr3-81698932-AT-A.
Other names: c.555+14delA (NM_000158.3).
Identifiers: ClinVar variation 420237 (VCV000420237.8), dbSNP rs573234623, ClinGen allele CA2499935.

ClinVar aggregate classification (germline): Benign/Likely benign. Review status: criteria provided, multiple submitters, no conflicts (2 of 4 stars). 2 submissions from 2 submitters: Benign (1); Likely benign (1). Last evaluated 2026-01-28.

Conditions:
Glycogen storage disease, type IV (GSD4). Also called: AMYLOPECTINOSIS; ANDERSEN DISEASE; BRANCHER DEFICIENCY; CIRRHOSIS, FAMILIAL, WITH DEPOSITION OF ABNORMAL GLYCOGEN; Glycogen storage disease due to glycogen branching enzyme deficiency; GBE1 DEFICIENCY. Identifiers: Orphanet 367, MedGen C0017923, MONDO:0009292, OMIM 232500.
Glycogen storage disease IV, classic hepatic. Also called: GSD IV, CLASSIC HEPATIC. Identifiers: MedGen C1856301.

Submissions (2):

Labcorp Genetics (formerly Invitae), Labcorp
Classification: Benign for Glycogen storage disease, type IV; Glycogen storage disease IV, classic hepatic. Last evaluated: 2026-01-28. Review status: criteria provided, single submitter. Criteria: Invitae Variant Classification Sherloc (09022015). Collection method: clinical testing. Allele origin: germline.

GeneDx
Classification: Likely benign. Last evaluated: 2017-08-31. Review status: criteria provided, single submitter. Criteria: GeneDx Variant Classification (06012015). Collection method: clinical testing. Allele origin: germline. Affected: yes.
Comment: This variant is considered likely benign or benign based on one or more of the following criteria: it is a conservative change, it occurs at a poorly conserved position in the protein, it is predicted to be benign by multiple in silico algorithms, and/or has population frequency not consistent with disease.